The following is an entry in ClinVar:

NM_001377.3(DYNC2H1):c.8012T>C (p.Met2671Thr)

Gene: DYNC2H1 (dynein cytoplasmic 2 heavy chain 1; plus strand). Cytogenetic location: 11q22.3.
Variant type: single nucleotide variant.
Coding change: c.8012T>C on transcript NM_001377.3 (MANE Select); coding-DNA position 8012, T replaced by C.
Protein change: p.Met2671Thr; replaces methionine 2671 with threonine.
Molecular consequence: missense variant.
Genome position (GRCh38, 1-based): chr11:103,199,400, T>C. VCF-style: chr11-103199400-T-C. GRCh37 (hg19) VCF-style: chr11-103070129-T-C.
Other names: c.8012T>C, p.Met2671Thr (NM_001080463.2); short protein forms M2671T.
Identifiers: ClinVar variation 446558 (VCV000446558.13), dbSNP rs1196317554, ClinGen allele CA382256730.

ClinVar aggregate classification (germline): Pathogenic/Likely pathogenic. Review status: criteria provided, multiple submitters, no conflicts (2 of 4 stars). 5 submissions from 5 submitters: Pathogenic (2); Likely pathogenic (1). 2 of the submissions do not count toward it. Last evaluated 2025-08-26.

Conditions:
Jeune thoracic dystrophy. Also called: Jeune syndrome; Infantile thoracic dystrophy; Thoracic pelvic phalangeal dystrophy; Jeune's syndrome; Chondroectodermal dysplasia-like syndrome; Short-rib thoracic dysplasia. Identifiers: Orphanet 474, MedGen C0265275, MONDO:0018770.
Asphyxiating thoracic dystrophy 3. Also called: Saldino-Noonan Syndrome; SHORT-RIB THORACIC DYSPLASIA 3 WITH OR WITHOUT POLYDACTYLY; POLYDACTYLY WITH NEONATAL CHONDRODYSTROPHY, TYPE I; SHORT-RIB THORACIC DYSPLASIA 3/6 WITH POLYDACTYLY, DIGENIC; Short rib polydactyly syndrome 2B. Identifiers: Orphanet 474, Orphanet 93269, Orphanet 93270, Orphanet 93271, MedGen C0036069, MONDO:0013127, OMIM 613091.

Allele frequency attached by ClinVar (database versions not stated): gnomAD exomes 0.00001; TOPMed 0.00003; gnomAD 0.00005 and 0.00006.
gnomAD v4.1: 21 of 1,612,966 alleles (0.0013%); highest among the groups gnomAD compares: African/African-American, 0.012%; no homozygotes.

Submissions (5):

GeneDx
Classification: Pathogenic. Last evaluated: 2025-08-26. Review status: criteria provided, single submitter. Criteria: GeneDx Variant Classification Process June 2021. Collection method: clinical testing. Allele origin: germline. Affected: yes.
Comment: In silico analysis supports that this missense variant has a deleterious effect on protein structure/function; This variant is associated with the following publications: (PMID: 29068549, 28518170, 31974414, 34529350)

Labcorp Genetics (formerly Invitae), Labcorp
Classification: Pathogenic for Jeune thoracic dystrophy. Last evaluated: 2025-07-30. Review status: criteria provided, single submitter. Criteria: Invitae Variant Classification Sherloc (09022015). Collection method: clinical testing. Allele origin: germline.
Comment: This sequence change replaces methionine, which is neutral and non-polar, with threonine, which is neutral and polar, at codon 2671 of the DYNC2H1 protein (p.Met2671Thr). This variant is present in population databases (no rsID available, gnomAD 0.01%). This missense change has been observed in individual(s) with short-rib polydactyly syndrome, also known as asphyxiating thoracic dystrophy (PMID: 28518170, 29068549, 34529350). In at least one individual the data is consistent with being in trans (on the opposite chromosome) from a pathogenic variant. ClinVar contains an entry for this variant (Variation ID: 446558). Invitae Evidence Modeling of protein sequence and biophysical properties (such as structural, functional, and spatial information, amino acid conservation, physicochemical variation, residue mobility, and thermodynamic stability) indicates that this missense variant is expected to disrupt DYNC2H1 protein function with a positive predictive value of 95%. For these reasons, this variant has been classified as Pathogenic.

Women's Health and Genetics/Laboratory Corporation of America, LabCorp
Classification: Likely pathogenic for Asphyxiating thoracic dystrophy 3. Last evaluated: 2024-07-02. Review status: criteria provided, single submitter. Criteria: LabCorp Variant Classification Summary - May 2015. Collection method: clinical testing. Allele origin: germline.
Comment: Variant summary: DYNC2H1 c.8012T>C (p.Met2671Thr) results in a non-conservative amino acid change located in the Dynein heavy chain, AAA module D4 domain (IPR024317) of the encoded protein sequence. Four of five in-silico tools predict a damaging effect of the variant on protein function. The variant allele was found at a frequency of 8.1e-06 in 248082 control chromosomes. c.8012T>C has been reported in the literature in multiple compound heterozygous individuals affected with Short-rib thoracic dysplasia, including asphyxiating thoracic dystrophy (e.g. Silveira_2021, Vora_2017, Zhang_2018). These data indicate that the variant may be associated with disease. To our knowledge, no experimental evidence demonstrating an impact on protein function has been reported. The following publications have been ascertained in the context of this evaluation (PMID: 34529350, 28518170, 29068549). ClinVar contains an entry for this variant (Variation ID: 446558). Based on the evidence outlined above, the variant was classified as likely pathogenic.

Dan Cohn Lab, University Of California Los Angeles
Classification: Pathogenic for Asphyxiating thoracic dystrophy. Last evaluated: 2017-06-01. Review status: no assertion criteria provided. Collection method: research. Allele origin: unknown. Affected: yes. Not counted in ClinVar's aggregate classification.

University of Washington Center for Mendelian Genomics, University of Washington
Classification: Likely pathogenic for asphyxiating thoracic dystrophy. Review status: no assertion criteria provided. Collection method: research. Allele origin: inherited. Affected: yes. Not counted in ClinVar's aggregate classification.

Literature cited by the submitters: PubMed 28518170 (cited by Labcorp Genetics (formerly Invitae), Labcorp and Women's Health and Genetics/Laboratory Corporation of America, LabCorp); PubMed 29068549 (cited by 4 submitters); PubMed 34529350 (cited by Labcorp Genetics (formerly Invitae), Labcorp and Women's Health and Genetics/Laboratory Corporation of America, LabCorp).